The following is an entry in ClinVar:

ClinVar aggregate classification (germline): Conflicting classifications of pathogenicity. Review status: criteria provided, conflicting classifications (1 of 4 stars). 8 submissions from 8 submitters: Uncertain significance (5); Benign (1). 2 of the submissions do not count toward it. Last evaluated 2026-08-18.

Conditions:
Cardiovascular phenotype. Identifiers: MedGen CN230736.
Arrhythmogenic cardiomyopathy with wooly hair and keratoderma. Also called: PALMOPLANTAR KERATODERMA WITH LEFT VENTRICULAR CARDIOMYOPATHY AND WOOLLY HAIR; Dilated cardiomyopathy with woolly hair and keratoderma; Arrhythmogenic cardiomyopathy with woolly hair and keratoderma; Carvajal syndrome. Identifiers: Orphanet 65282, MedGen C1854063, MONDO:0011581, OMIM 605676.
Arrhythmogenic right ventricular dysplasia 8 (ARVD8). Also called: Arrhythmogenic Right Ventricular Dysplasia/Cardiomyopathy 8; ARRHYTHMOGENIC RIGHT VENTRICULAR DYSPLASIA, FAMILIAL, 8; ARRHYTHMOGENIC RIGHT VENTRICULAR CARDIOMYOPATHY 8. Identifiers: MedGen C1843896, MONDO:0011831, OMIM 607450.
Cardiomyopathy (CMYO). Also called: Cardiomyopathies. Identifiers: Orphanet 167848, MedGen C0878544, MONDO:0004994, HP:0001638. Inheritance: Various modes of inheritance.

Allele frequency attached by ClinVar (database versions not stated): ExAC 0.00002; gnomAD 0.00004; gnomAD exomes 0.00002; ESP Exome Variant Server 0.00015; TOPMed 0.00003.
gnomAD v4.1: 31 of 1,613,972 alleles (0.0019%); highest among the groups gnomAD compares: African/African-American, 0.0067%; no homozygotes.

Submissions (8):

Ambry Genetics
Classification: Uncertain significance for Cardiovascular phenotype. Last evaluated: 2026-08-18. Review status: criteria provided, single submitter. Criteria: Ambry Variant Classification Scheme 2023. Collection method: clinical testing. Allele origin: germline.
Comment: The c.6442G>A (p.A2148T) alteration is located in exon 24 (coding exon 24) of the DSP gene. This alteration results from a G to A substitution at nucleotide position 6442, causing the alanine (A) at amino acid position 2148 to be replaced by a threonine (T). Based on data from gnomAD, the A allele has an overall frequency of 0.002% (6/282610) total alleles studied. The highest observed frequency was 0.012% (3/24914) of African alleles. Based on insufficient or conflicting evidence, the clinical significance of this alteration remains unclear.

Labcorp Genetics (formerly Invitae), Labcorp
Classification: Benign for Arrhythmogenic cardiomyopathy with wooly hair and keratoderma; Arrhythmogenic right ventricular dysplasia 8. Last evaluated: 2024-07-30. Review status: criteria provided, single submitter. Criteria: Invitae Variant Classification Sherloc (09022015). Collection method: clinical testing. Allele origin: germline.

All of Us Research Program, National Institutes of Health
Classification: Uncertain significance for Arrhythmogenic cardiomyopathy with wooly hair and keratoderma. Last evaluated: 2023-11-02. Review status: criteria provided, single submitter. Criteria: ACMG Guidelines, 2015. Collection method: clinical testing. Allele origin: germline. Inheritance: Autosomal dominant inheritance. Observed: 1 variant allele, 1 heterozygote.
Comment: This missense variant replaces alanine with threonine at codon 2148 of the DSP protein. Computational prediction suggests that this variant may have deleterious impact on protein structure and function (internally defined REVEL score threshold >= 0.7, PMID: 27666373). To our knowledge, functional studies have not been reported for this variant. This variant has been reported in an individual affected with arrhythmogenic right ventricular cardiomyopathy who also carried a pathogenic variant in the DSP gene (PMID: 31319917), in an individual affected with an unspecified cardiomyopathy with clinical limited details (PMID: 37477868), and in an individual affected with alcoholic cardiomyopathy (PMID: 29773157). This variant has been identified in 6/282610 chromosomes in the general population by the Genome Aggregation Database (gnomAD). The available evidence is insufficient to determine the role of this variant in disease conclusively. Therefore, this variant is classified as a Variant of Uncertain Significance.

This study involves interpretation of variants in research participants for the purpose of population health screening. Participant phenotype was not available at the time of variant classification. Additional details can be found in publication PMID: 35346344, PMCID: PMC8962531

Color Diagnostics, LLC DBA Color Health
Classification: Uncertain significance for Cardiomyopathy. Last evaluated: 2023-10-20. Review status: criteria provided, single submitter. Criteria: ACMG Guidelines, 2015. Collection method: clinical testing. Allele origin: germline.
Comment: This missense variant replaces alanine with threonine at codon 2148 of the DSP protein. Computational prediction suggests that this variant may have deleterious impact on protein structure and function (internally defined REVEL score threshold >= 0.7, PMID: 27666373). To our knowledge, functional studies have not been reported for this variant. This variant has been reported in an individual affected with arrhythmogenic right ventricular cardiomyopathy who also carried a pathogenic variant in the DSP gene (PMID: 31319917), in an individual affected with an unspecified cardiomyopathy with clinical limited details (PMID: 37477868), and in an individual affected with alcoholic cardiomyopathy (PMID: 29773157). This variant has been identified in 6/282610 chromosomes in the general population by the Genome Aggregation Database (gnomAD). The available evidence is insufficient to determine the role of this variant in disease conclusively. Therefore, this variant is classified as a Variant of Uncertain Significance.

Laboratory for Molecular Medicine, Mass General Brigham Personalized Medicine
Classification: Uncertain significance. Last evaluated: 2015-10-15. Review status: criteria provided, single submitter. Criteria: LMM Criteria. Collection method: clinical testing. Allele origin: germline. Observed: 3 variant alleles.
Comment: The p.Ala2148Thr variant in DSP has not been previously reported in patients wit h cardiomyopathy but has been identified in 1/16484 of South Asian chromosomes a nd 1/10288 African chromosomes by the Exome Aggregation Consortium (ExAC; rs144539278). Computational prediction tools and conse rvation analysis suggest that this variant may impact the protein, though this i nformation is not predictive enough to determine pathogenicity. In summary, the clinical significance of the p.Ala2148Thr variant is uncertain.

Breakthrough Genomics
Classification: Uncertain significance. Review status: criteria provided, single submitter. Criteria: ACMG Guidelines, 2015. Collection method: not provided. Allele origin: germline. Inheritance: Autosomal recessive inheritance. Affected: yes.

Diagnostic Laboratory, Department of Genetics, University Medical Center Groningen
Classification: Uncertain significance. Review status: no assertion criteria provided. Collection method: clinical testing. Allele origin: germline. Affected: yes. Study: VKGL Data-share Consensus. Not counted in ClinVar's aggregate classification.

Joint Genome Diagnostic Labs from Nijmegen and Maastricht, Radboudumc and MUMC+
Classification: Uncertain significance. Review status: no assertion criteria provided. Collection method: clinical testing. Allele origin: germline. Affected: yes. Study: VKGL Data-share Consensus. Not counted in ClinVar's aggregate classification.

Literature cited by the submitters: PubMed 29773157 (cited by All of Us Research Program, National Institutes of Health and Color Diagnostics, LLC DBA Color Health); PubMed 31319917 (cited by All of Us Research Program, National Institutes of Health and Color Diagnostics, LLC DBA Color Health); PubMed 37477868 (cited by All of Us Research Program, National Institutes of Health and Color Diagnostics, LLC DBA Color Health).

NM_004415.4(DSP):c.6442G>A (p.Ala2148Thr)

Gene: DSP (desmoplakin; plus strand). Cytogenetic location: 6p24.3.
Variant type: single nucleotide variant.
Coding change: c.6442G>A on transcript NM_004415.4 (MANE Select); coding-DNA position 6442, G replaced by A.
Protein change: p.Ala2148Thr; replaces alanine 2148 with threonine.
Molecular consequence: missense variant.
Genome position (GRCh38, 1-based): chr6:7,583,704, G>A. VCF-style: chr6-7583704-G-A. GRCh37 (hg19) VCF-style: chr6-7583937-G-A.
Other names: c.4645G>A, p.Ala1549Thr (NM_001008844.3); c.5113G>A, p.Ala1705Thr (NM_001319034.2); short protein forms A2148T, A1705T, A1549T.
Identifiers: ClinVar variation 228647 (VCV000228647.27), dbSNP rs144539278, ClinGen allele CA047699.